The following is an entry in ClinVar:

ClinVar aggregate classification (germline): Likely pathogenic (1 of 4 stars; one submission).

Conditions:
TG-related disorder. Also called: TG-related condition; TG-related disorders.

Submission:

PreventionGenetics, part of Exact Sciences
Classification: Likely pathogenic for TG-related condition. Last evaluated: 2023-02-10. Review status: criteria provided, single submitter. Criteria: ACMG Guidelines, 2015. Collection method: clinical testing. Allele origin: germline.
Comment: The TG c.5729_5730delCA variant is predicted to result in a frameshift and premature protein termination (p.Thr1910Argfs*19). To our knowledge, this variant has not been reported in the literature or in a large population database, indicating this variant is rare. Frameshift variants in TG are expected to be pathogenic. This variant is interpreted as likely pathogenic.

NM_003235.5(TG):c.5729_5730del (p.Thr1910fs)

Gene: TG (thyroglobulin; plus strand). Cytogenetic location: 8q24.22.
Variant type: Deletion.
Coding change: c.5729_5730del on transcript NM_003235.5 (MANE Select); coding-DNA positions 5729 to 5730, 2 bases deleted (CA; older notation c.5729_5730delCA).
Protein change: p.Thr1910fs; shifts the reading frame from threonine 1910.
Molecular consequence: frameshift variant.
Genome position (GRCh38, 1-based): chr8:132,967,836-132,967,837, CA deleted; deleting any 2 consecutive bases within chr8:132,967,835-132,967,837 gives the same sequence; the c. name uses the placement nearest the transcript's 3' end. VCF-style (leftmost placement, unchanged base first): chr8-132967834-AAC-A. GRCh37 (hg19) VCF-style: chr8-133980079-AAC-A.
Other names: short protein forms T1910fs.
Identifiers: ClinVar variation 2630240 (VCV002630240.1), dbSNP rs2491035032, ClinGen allele CA2695200112.